The following is an entry in ClinVar:

ClinVar aggregate classification (germline): Uncertain significance (1 of 4 stars; one submission).

Conditions:
Congenital myasthenic syndrome 8. Also called: Myasthenic syndrome, congenital, 8, with pre- and postsynaptic defects; MYASTHENIC SYNDROME, CONGENITAL, DUE TO AGRIN DEFICIENCY. Identifiers: Orphanet 590, MedGen C3808739, MONDO:0014052, OMIM 615120.

Allele frequency attached by ClinVar (database versions not stated): gnomAD exomes 0.00001 and 0.00002; TOPMed 0.00001.

Submission:

Labcorp Genetics (formerly Invitae), Labcorp
Classification: Uncertain significance for Congenital myasthenic syndrome 8. Last evaluated: 2024-10-15. Review status: criteria provided, single submitter. Criteria: Invitae Variant Classification Sherloc (09022015). Collection method: clinical testing. Allele origin: germline.
Comment: This sequence change replaces alanine, which is neutral and non-polar, with threonine, which is neutral and polar, at codon 304 of the AGRN protein (p.Ala304Thr). The frequency data for this variant in the population databases is considered unreliable, as metrics indicate poor data quality at this position in the gnomAD database. This variant has not been reported in the literature in individuals affected with AGRN-related conditions. ClinVar contains an entry for this variant (Variation ID: 846389). An algorithm developed to predict the effect of missense changes on protein structure and function outputs the following: PolyPhen-2: "Possibly Damaging". The threonine amino acid residue is found in multiple mammalian species, which suggests that this missense change does not adversely affect protein function. In summary, the available evidence is currently insufficient to determine the role of this variant in disease. Therefore, it has been classified as a Variant of Uncertain Significance.

NM_198576.4(AGRN):c.910G>A (p.Ala304Thr)

Gene: AGRN (agrin; plus strand). Cytogenetic location: 1p36.33.
Variant type: single nucleotide variant.
Coding change: c.910G>A on transcript NM_198576.4 (MANE Select); coding-DNA position 910, G replaced by A.
Protein change: p.Ala304Thr; replaces alanine 304 with threonine.
Molecular consequence: missense variant.
Genome position (GRCh38, 1-based): chr1:1,041,355, G>A. VCF-style: chr1-1041355-G-A. GRCh37 (hg19) VCF-style: chr1-976735-G-A.
Other names: c.910G>A, p.Ala304Thr (NM_001305275.2); c.595G>A, p.Ala199Thr (NM_001364727.2); short protein forms A199T, A304T.
Identifiers: ClinVar variation 846389 (VCV000846389.8), dbSNP rs764915525, ClinGen allele CA507933.
Genomic context (GRCh38, chr1:1,041,355, plus strand): 5'-GTCTGCGGCAGCGACGGCGCCGACTACCCCGGCGAGTGCCAGCTCCTGCGCCGCGCCTGC[G>A]CCCGCCAGGAGAATGTCTTCAAGAAGTTCGACGGCCCTTGTGGTGAGCGCGGCGGCGGGC-3'
Protein context (NP_940978.2, residues 294-314): GECQLLRRAC[Ala304Thr]RQENVFKKFD